The following is an entry in ClinVar:

ClinVar aggregate classification (germline): Pathogenic (1 of 4 stars; one submission).

Submission:

GeneDx
Classification: Pathogenic. Last evaluated: 2025-01-25. Review status: criteria provided, single submitter. Criteria: GeneDx Variant Classification Process June 2021. Collection method: clinical testing. Allele origin: germline.
Comment: Canonical splice site variant predicted to result in an in-frame loss of the adjacent exon in a gene for which loss of function is a known mechanism of disease; Not observed at significant frequency in large population cohorts (gnomAD); This variant is associated with the following publications: (PMID: 33144682, 30923367)

NM_021008.4(DEAF1):c.664+1G>A

Gene: DEAF1 (DEAF1 transcription factor; minus strand). Cytogenetic location: 11p15.5.
Variant type: single nucleotide variant.
Coding change: c.664+1G>A on transcript NM_021008.4 (MANE Select); the canonical splice donor site of the intron after coding-DNA position 664, G replaced by A.
Molecular consequence: splice donor variant.
Genome position (GRCh38, 1-based): chr11:687,910, C>T on the plus strand (G>A on the coding strand, the complement: DEAF1 is on the minus strand). VCF-style: chr11-687910-C-T. GRCh37 (hg19) VCF-style: chr11-687910-C-T.
Other names: c.-63+1G>A (NM_001367390.1, NM_001440885.1, NM_001440887.1 and 1 more transcripts); c.664+1G>A (NM_001293634.2, NM_001440884.1, NM_001440883.1).
Identifiers: ClinVar variation 3340664 (VCV003340664.2).
Genomic context (GRCh38, chr11:687,910, plus strand): 5'-TTTATGCTAGGGGGGTTACAAAGGGGAATACAACTTTGGAGTCTGAAGTGGCAGTCCTCA[C>T]CTGAGCCGAGCCTGTTCTTGTACAGAGTGCCGCTGATGTTCCGGCACCGTACGGGCAGCT-3'